The following is an entry in ClinVar:

ClinVar aggregate classification (germline): Uncertain significance (1 of 4 stars; one submission).

Submission:

Labcorp Genetics (formerly Invitae), Labcorp
Classification: Uncertain significance. Last evaluated: 2024-01-29. Review status: criteria provided, single submitter. Criteria: Invitae Variant Classification Sherloc (09022015). Collection method: clinical testing. Allele origin: germline.
Comment: This variant results in a copy number gain of the genomic region encompassing exon(s) 2-7 of the TRRAP gene. This region includes the initiator codon of the gene. This copy number gain extends beyond the assayed region for this gene and therefore may encompass additional genes. As the precise location of this event is unknown, it may be in tandem or it may be located elsewhere in the genome. This variant has not been reported in the literature in individuals affected with TRRAP-related conditions. In summary, the available evidence is currently insufficient to determine the role of this variant in disease. Therefore, it has been classified as a Variant of Uncertain Significance.

NC_000007.13:g.(?_98478774)_(98493463_?)dup

Gene: TRRAP (transformation/transcription domain associated protein; plus strand). Cytogenetic location: 7q22.1.
Variant type: Duplication.
Identifiers: ClinVar variation 2424701 (VCV002424701.4).